The following is an entry in ClinVar:

ClinVar aggregate classification (germline): Uncertain significance. Review status: criteria provided, multiple submitters, no conflicts (2 of 4 stars). 2 submissions from 2 submitters: Uncertain significance (2). Last evaluated 2025-10-13.

Conditions:
Cardiovascular phenotype. Identifiers: MedGen CN230736.
Long QT syndrome (LQTS). Identifiers: MedGen C0023976, MeSH D008133, MONDO:0002442. Disease mechanism: loss of function. Inheritance: Various modes of inheritance.

Allele frequency attached by ClinVar (database versions not stated): gnomAD exomes 0.00001; ExAC 0.00002.
gnomAD v4.1: 8 of 1,613,106 alleles (0.0005%); highest among the groups gnomAD compares: Non-Finnish European, 0.00068%; no homozygotes.

Submissions (2):

Labcorp Genetics (formerly Invitae), Labcorp
Classification: Uncertain significance for Long QT syndrome. Last evaluated: 2025-10-13. Review status: criteria provided, single submitter. Criteria: Invitae Variant Classification Sherloc (09022015). Collection method: clinical testing. Allele origin: germline.
Comment: This sequence change replaces valine, which is neutral and non-polar, with leucine, which is neutral and non-polar, at codon 2030 of the AKAP9 protein (p.Val2030Leu). This variant is present in population databases (rs747112882, gnomAD 0.002%). This variant has not been reported in the literature in individuals affected with AKAP9-related conditions. ClinVar contains an entry for this variant (Variation ID: 2156067). An algorithm developed to predict the effect of missense changes on protein structure and function (PolyPhen-2) suggests that this variant is likely to be disruptive. In summary, the available evidence is currently insufficient to determine the role of this variant in disease. Therefore, it has been classified as a Variant of Uncertain Significance.

Ambry Genetics
Classification: Uncertain significance for Cardiovascular phenotype. Last evaluated: 2025-08-20. Review status: criteria provided, single submitter. Criteria: Ambry Variant Classification Scheme 2023. Collection method: clinical testing. Allele origin: germline.

NM_005751.5(AKAP9):c.6088G>C (p.Val2030Leu)

Gene: AKAP9 (A-kinase anchoring protein 9; plus strand). Cytogenetic location: 7q21.2.
Variant type: single nucleotide variant.
Coding change: c.6088G>C on transcript NM_005751.5 (MANE Select); coding-DNA position 6088, G replaced by C.
Protein change: p.Val2030Leu; replaces valine 2030 with leucine.
Molecular consequence: missense variant.
Genome position (GRCh38, 1-based): chr7:92,065,341, G>C. VCF-style: chr7-92065341-G-C. GRCh37 (hg19) VCF-style: chr7-91694655-G-C.
Other names: c.733G>C, p.Val245Leu (NM_001379277.1); c.6088G>C, p.Val2030Leu (NM_147185.3); short protein forms V245L, V2030L.
Identifiers: ClinVar variation 2156067 (VCV002156067.7), dbSNP rs747112882, ClinGen allele CA4336997.